The following is an entry in ClinVar:

ClinVar aggregate classification (germline): Likely benign (1 of 4 stars; one submission).

Conditions:
Breast-ovarian cancer, familial, susceptibility to, 2 (BROVCA2). Also called: BRCA2 Hereditary Breast and Ovarian Cancer. Identifiers: Orphanet 145, MedGen C2675520, MONDO:0012933, OMIM 612555. Disease mechanism: loss of function.

gnomAD v4.1: 1 of 1,606,280 alleles (0.000062%); highest among the groups gnomAD compares: Non-Finnish European, 0.000085%; no homozygotes.

Submission:

Cancer Bioinformatics and Tumour Evolution Laboratory, Monash University
Classification: Likely benign for Breast-ovarian cancer, familial, susceptibility to, 2. Last evaluated: 2026-05-01. Review status: criteria provided, single submitter. Criteria: ClinGen BRCA1 and BRCA2 Guidelines, 2024. Collection method: curation. Allele origin: germline. Inheritance: Autosomal dominant inheritance.
Comment: Missense variant outside of a functional domain with no splice impact. BRCA1 and BRCA2 VCEP guidelines recommend application of BP1_Strong (PMID: 39142283)

NM_000059.4(BRCA2):c.349C>T (p.Leu117Phe)

Gene: BRCA2 (BRCA2 DNA repair associated; plus strand). Cytogenetic location: 13q13.1.
Variant type: single nucleotide variant.
Coding change: c.349C>T on transcript NM_000059.4 (MANE Select); coding-DNA position 349, C replaced by T.
Protein change: p.Leu117Phe; replaces leucine 117 with phenylalanine.
Molecular consequence: missense variant. On other transcripts: 5 prime UTR variant (1), non-coding transcript variant (1).
Genome position (GRCh38, 1-based): chr13:32,325,108, C>T. VCF-style: chr13-32325108-C-T. GRCh37 (hg19) VCF-style: chr13-32899245-C-T.
Other names: c.349C>T, p.Leu117Phe (NM_001406719.1, NM_001406720.1, NM_001406721.1 and 1 more transcripts); c.-21C>T (NM_001406722.1); short protein forms L117F.
Identifiers: ClinVar variation 4856475 (VCV004856475.1).